The following is an entry in ClinVar:

NM_001363711.2(DUOX2):c.3935C>T (p.Thr1312Ile)

Gene: DUOX2 (dual oxidase 2; minus strand). Cytogenetic location: 15q21.1.
Variant type: single nucleotide variant.
Coding change: c.3935C>T on transcript NM_001363711.2 (MANE Select); coding-DNA position 3935, C replaced by T.
Protein change: p.Thr1312Ile; replaces threonine 1312 with isoleucine.
Molecular consequence: missense variant.
Genome position (GRCh38, 1-based): chr15:45,095,973, G>A on the plus strand (C>T on the coding strand, the complement: DUOX2 is on the minus strand). VCF-style: chr15-45095973-G-A. GRCh37 (hg19) VCF-style: chr15-45388171-G-A.
Other names: c.3935C>T, p.Thr1312Ile (NM_014080.5); short protein forms T1312I.
Identifiers: ClinVar variation 1513972 (VCV001513972.8), dbSNP rs1439124083, ClinGen allele CA392253810.
Genomic context (GRCh38, chr15:45,095,973, plus strand): 5'-TGCAGGCTGAGTGTGTCCTCATGGGGCGCGGAGGTCAGTGTGAAGGGGTGGTACTCGGTG[G>A]TCCCCAGAGCCAGGCAGGCGATCCGCACCCACTGTCCTGACTTGTACTCAAAGCCTTGGG-3'
Protein context (NP_001350640.1, residues 1302-1322): WVRIACLALG[Thr1312Ile]TEYHPFTLTS

ClinVar aggregate classification (germline): Uncertain significance (1 of 4 stars; one submission).

Allele frequency attached by ClinVar (database versions not stated): gnomAD exomes below 0.00001; gnomAD 0.00001; TOPMed 0.00001.
gnomAD v4.1: 3 of 1,613,930 alleles (0.00019%); highest among the groups gnomAD compares: African/African-American, 0.0027%; no homozygotes.

Submission:

Labcorp Genetics (formerly Invitae), Labcorp
Classification: Uncertain significance. Last evaluated: 2021-06-18. Review status: criteria provided, single submitter. Criteria: Invitae Variant Classification Sherloc (09022015). Collection method: clinical testing. Allele origin: germline.
Comment: This variant is not present in population databases (ExAC no frequency). This variant has not been reported in the literature in individuals with DUOX2-related conditions. Advanced modeling of protein sequence and biophysical properties (such as structural, functional, and spatial information, amino acid conservation, physicochemical variation, residue mobility, and thermodynamic stability) performed at Invitae indicates that this missense variant is not expected to disrupt DUOX2 protein function. In summary, the available evidence is currently insufficient to determine the role of this variant in disease. Therefore, it has been classified as a Variant of Uncertain Significance. This sequence change replaces threonine with isoleucine at codon 1312 of the DUOX2 protein (p.Thr1312Ile). The threonine residue is moderately conserved and there is a moderate physicochemical difference between threonine and isoleucine.